The following is an entry in ClinVar:

ClinVar aggregate classification (germline): Likely benign. Review status: criteria provided, single submitter (1 of 4 stars). 2 submissions from 2 submitters: Likely benign (1). 1 of the submissions does not count toward it. Last evaluated 2022-06-13.

Conditions:
Inborn genetic diseases. Identifiers: MedGen C0950123, MeSH D030342.
IGSF1-related disorder. Also called: IGSF1-related condition.

Allele frequency attached by ClinVar (database versions not stated): gnomAD exomes 0.00011; ExAC 0.00012; gnomAD 0.00020; TOPMed 0.00030.
gnomAD v4.1: 139 of 1,209,413 alleles (0.011%); highest among the groups gnomAD compares: Admixed American, 0.16%; no homozygotes.

Submissions (2):

Ambry Genetics
Classification: Likely benign for Inborn genetic diseases. Last evaluated: 2022-06-13. Review status: criteria provided, single submitter. Criteria: Ambry Variant Classification Scheme 2023. Collection method: clinical testing. Allele origin: germline.

PreventionGenetics, part of Exact Sciences
Classification: Likely benign for IGSF1-related condition. Last evaluated: 2023-05-18. Review status: no assertion criteria provided. Collection method: clinical testing. Allele origin: germline. Not counted in ClinVar's aggregate classification.
Comment: This variant is classified as likely benign based on ACMG/AMP sequence variant interpretation guidelines (Richards et al. 2015 PMID: 25741868, with internal and published modifications).

NM_001555.5(IGSF1):c.3760G>A (p.Ala1254Thr)

Gene: IGSF1 (immunoglobulin superfamily member 1; minus strand). Cytogenetic location: Xq26.1.
Variant type: single nucleotide variant.
Coding change: c.3760G>A on transcript NM_001555.5 (MANE Select); coding-DNA position 3760, G replaced by A.
Protein change: p.Ala1254Thr; replaces alanine 1254 with threonine.
Molecular consequence: missense variant.
Genome position (GRCh38, 1-based): chrX:131,274,198, C>T on the plus strand (G>A on the coding strand, the complement: IGSF1 is on the minus strand). VCF-style: chrX-131274198-C-T. GRCh37 (hg19) VCF-style: chrX-130408172-C-T.
Other names: c.3775G>A, p.Ala1259Thr (NM_001170961.2); c.3733G>A, p.Ala1245Thr (NM_001170962.2); short protein forms A1259T, A1254T, A1245T.
Identifiers: ClinVar variation 2384496 (VCV002384496.4), dbSNP rs767189919, ClinGen allele CA10517585.